The following is an entry in ClinVar:

ClinVar aggregate classification (germline): Uncertain significance (1 of 4 stars; one submission).

Conditions:
Hereditary cancer-predisposing syndrome. Also called: Neoplastic Syndromes, Hereditary; Tumor predisposition; Hereditary Cancer Syndrome; Hereditary neoplastic syndrome. Identifiers: Orphanet 140162, MedGen C0027672, MeSH D009386, MONDO:0015356.

gnomAD v4.1: 1 of 1,570,274 alleles (0.000064%); highest among the groups gnomAD compares: Non-Finnish European, 0.000087%; no homozygotes.

Submission:

Ambry Genetics
Classification: Uncertain significance for Hereditary cancer-predisposing syndrome. Last evaluated: 2025-09-11. Review status: criteria provided, single submitter. Criteria: Ambry Variant Classification Scheme 2023. Collection method: clinical testing. Allele origin: germline.
Comment: The p.N301S variant (also known as c.902A>G), located in coding exon 9 of the RB1 gene, results from an A to G substitution at nucleotide position 902. The asparagine at codon 301 is replaced by serine, an amino acid with highly similar properties. This amino acid position is well conserved in available vertebrate species. In addition, this alteration is predicted to be tolerated by in silico analysis. Based on the available evidence, the clinical significance of this variant remains unclear.

NM_000321.3(RB1):c.902A>G (p.Asn301Ser)

Gene: RB1 (RB transcriptional corepressor 1; plus strand). Cytogenetic location: 13q14.2.
Variant type: single nucleotide variant.
Coding change: c.902A>G on transcript NM_000321.3 (MANE Select); coding-DNA position 902, A replaced by G.
Protein change: p.Asn301Ser; replaces asparagine 301 with serine.
Molecular consequence: missense variant.
Genome position (GRCh38, 1-based): chr13:48,364,934, A>G. VCF-style: chr13-48364934-A-G. GRCh37 (hg19) VCF-style: chr13-48939070-A-G.
Other names: c.902A>G, p.Asn301Ser (NM_001407165.1, NM_001407166.1); short protein forms N301S.
Identifiers: ClinVar variation 4151223 (VCV004151223.1).